The following is an entry in ClinVar:

ClinVar aggregate classification (germline): Benign/Likely benign. Review status: criteria provided, multiple submitters, no conflicts (2 of 4 stars). 3 submissions from 3 submitters: Benign (1); Likely benign (2). Last evaluated 2026-02-27.

Conditions:
Familial cancer of breast. Also called: Hereditary breast cancer; BREAST CANCER, FAMILIAL; hereditary breast carcinoma. Identifiers: Orphanet 227535, MedGen C0346153, MONDO:0016419, OMIM 114480. Disease mechanism: loss of function.
Hereditary cancer-predisposing syndrome. Also called: Tumor predisposition; Hereditary Cancer Syndrome; Hereditary neoplastic syndrome; Neoplastic Syndromes, Hereditary. Identifiers: Orphanet 140162, MedGen C0027672, MeSH D009386, MONDO:0015356.

gnomAD v4.1: 1 of 1,608,014 alleles (0.000062%); highest among the groups gnomAD compares: Non-Finnish European, 0.000085%; no homozygotes.

Submissions (3):

Ambry Genetics
Classification: Likely benign for Hereditary cancer-predisposing syndrome. Last evaluated: 2026-02-27. Review status: criteria provided, single submitter. Criteria: Ambry Variant Classification Scheme 2023. Collection method: clinical testing. Allele origin: germline.

Myriad Genetics, Inc.
Classification: Benign for Familial cancer of breast. Last evaluated: 2025-01-17. Review status: criteria provided, single submitter. Criteria: Myriad Autosomal Dominant, Autosomal Recessive and X-Linked Classification Criteria (2023). Collection method: clinical testing. Allele origin: unknown.
Comment: This variant is considered benign. This variant is a silent/synonymous amino acid change and it is not expected to impact splicing.

Color Diagnostics, LLC DBA Color Health
Classification: Likely benign for Hereditary cancer-predisposing syndrome. Last evaluated: 2024-06-03. Review status: criteria provided, single submitter. Criteria: ACMG Guidelines, 2015. Collection method: clinical testing. Allele origin: germline.

NM_024675.4(PALB2):c.2793C>G (p.Leu931=)

Gene: PALB2 (partner and localizer of BRCA2; minus strand). Cytogenetic location: 16p12.2.
Variant type: single nucleotide variant.
Coding change: c.2793C>G on transcript NM_024675.4 (MANE Select); coding-DNA position 2793, C replaced by G.
Protein change: p.Leu931=; no amino-acid change (leucine 931 retained).
Molecular consequence: synonymous variant.
Genome position (GRCh38, 1-based): chr16:23,624,050, G>C on the plus strand (C>G on the coding strand, the complement: PALB2 is on the minus strand). VCF-style: chr16-23624050-G-C. GRCh37 (hg19) VCF-style: chr16-23635371-G-C.
Other names: c.2793C>G, p.Leu931= (NM_001407300.1, NM_001407301.1, NM_001407299.1); c.2631C>G, p.Leu877= (NM_001407302.1, NM_001407298.1); c.1908C>G, p.Leu636= (NM_001407304.1, NM_001407305.1, NM_001407306.1 and 4 more transcripts); c.1746C>G, p.Leu582= (NM_001407307.1); c.1005C>G, p.Leu335= (NM_001407312.1, NM_001407313.1); c.327C>G, p.Leu109= (NM_001407314.1); c.2733C>G, p.Leu911= (NM_001407296.1); c.2721C>G, p.Leu907= (NM_001407297.1).
Identifiers: ClinVar variation 2773997 (VCV002773997.4), dbSNP rs1039677524, ClinGen allele CA494181170.